The following is an entry in ClinVar:

ClinVar aggregate classification (germline): Uncertain significance (1 of 4 stars; one submission).

Conditions:
Inborn genetic diseases. Identifiers: MedGen C0950123, MeSH D030342.

Submission:

Ambry Genetics
Classification: Uncertain significance for Inborn genetic diseases. Last evaluated: 2026-03-17. Review status: criteria provided, single submitter. Criteria: Ambry Variant Classification Scheme 2023. Collection method: clinical testing. Allele origin: germline.
Comment: The p.Y778N variant (also known as c.2332T>A), located in coding exon 18 of the BUB1B gene, results from a T to A substitution at nucleotide position 2332. The tyrosine at codon 778 is replaced by asparagine, an amino acid with dissimilar properties. This amino acid position is conserved. In addition, the in silico prediction for this alteration is inconclusive. Based on the available evidence, the clinical significance of this variant remains unclear.

NM_001211.6(BUB1B):c.2332T>A (p.Tyr778Asn)

Gene: BUB1B (BUB1 mitotic checkpoint serine/threonine kinase B; plus strand). Cytogenetic location: 15q15.1.
Variant type: single nucleotide variant.
Coding change: c.2332T>A on transcript NM_001211.6 (MANE Select); coding-DNA position 2332, T replaced by A.
Protein change: p.Tyr778Asn; replaces tyrosine 778 with asparagine.
Molecular consequence: missense variant.
Genome position (GRCh38, 1-based): chr15:40,210,157, T>A. VCF-style: chr15-40210157-T-A. GRCh37 (hg19) VCF-style: chr15-40502358-T-A.
Other names: short protein forms Y778N.
Identifiers: ClinVar variation 4867979 (VCV004867979.1).